The following is an entry in ClinVar:

ClinVar aggregate classification (germline): Benign (1 of 4 stars; one submission).

Allele frequency attached by ClinVar (database versions not stated): gnomAD 0.12290 and 0.12365; TOPMed 0.12883; 1000 Genomes Project 0.18051; 1000 Genomes Project 30x 0.18051.
gnomAD v4.1: 18,678 of 151,946 alleles (12%); highest among the groups gnomAD compares: African/African-American, 25%; 1,712 homozygotes.

Submission:

GeneDx
Classification: Benign. Last evaluated: 2020-07-15. Review status: criteria provided, single submitter. Criteria: GeneDx Variant Classification Process June 2021. Collection method: clinical testing. Allele origin: germline. Affected: yes.
Comment: This variant is associated with the following publications: (PMID: 31794672)

NM_000433.4(NCF2):c.258-2150T>C

Gene: NCF2 (neutrophil cytosolic factor 2; minus strand). Cytogenetic location: 1q25.3.
Variant type: single nucleotide variant.
Coding change: c.258-2150T>C on transcript NM_000433.4 (MANE Select); 2150 bases into the intron before coding-DNA position 258, T replaced by C.
Molecular consequence: intron variant.
Genome position (GRCh38, 1-based): chr1:183,579,857, A>G on the plus strand (T>C on the coding strand, the complement: NCF2 is on the minus strand). VCF-style: chr1-183579857-A-G. GRCh37 (hg19) VCF-style: chr1-183548992-A-G.
Other names: c.258-2150T>C (NM_001127651.3, NM_001190789.2, NM_001190794.2).
Identifiers: ClinVar variation 1266063 (VCV001266063.2), dbSNP rs10911362, ClinGen allele CA33986700.